The following is an entry in ClinVar:

ClinVar aggregate classification (germline): Uncertain significance (1 of 4 stars; one submission).

Conditions:
Inborn genetic diseases. Identifiers: MedGen C0950123, MeSH D030342.

Allele frequency attached by ClinVar (database versions not stated): gnomAD exomes below 0.00001; TOPMed below 0.00001.
gnomAD v4.1: 1 of 1,613,672 alleles (0.000062%); highest among the groups gnomAD compares: Admixed American, 0.0017%; no homozygotes.

Submission:

Ambry Genetics
Classification: Uncertain significance for Inborn genetic diseases. Last evaluated: 2022-06-10. Review status: criteria provided, single submitter. Criteria: Ambry Variant Classification Scheme 2023. Collection method: clinical testing. Allele origin: germline.
Comment: The c.2430+3G>A intronic alteration consists of a G to A substitution nucleotides after coding exon 20 in the SF3B2 gene. Based on insufficient or conflicting evidence, the clinical significance of this alteration remains unclear.

NM_006842.3(SF3B2):c.2430+3G>A

Gene: SF3B2 (splicing factor 3b subunit 2; plus strand). Cytogenetic location: 11q13.1.
Variant type: single nucleotide variant.
Coding change: c.2430+3G>A on transcript NM_006842.3 (MANE Select); 3 bases into the intron after coding-DNA position 2430, G replaced by A.
Molecular consequence: intron variant.
Genome position (GRCh38, 1-based): chr11:66,068,048, G>A. VCF-style: chr11-66068048-G-A. GRCh37 (hg19) VCF-style: chr11-65835519-G-A.
Identifiers: ClinVar variation 2288841 (VCV002288841.2), dbSNP rs1857218150, ClinGen allele CA1979504797.